The following is an entry in ClinVar:

NM_000059.4(BRCA2):c.7209_7212delinsGG (p.Lys2404fs)

Gene: BRCA2 (BRCA2 DNA repair associated; plus strand). Cytogenetic location: 13q13.1.
Variant type: Indel.
Coding change: c.7209_7212delinsGG on transcript NM_000059.4 (MANE Select); coding-DNA positions 7209 to 7212, CAAA replaced by GG.
Protein change: p.Lys2404fs; shifts the reading frame from lysine 2404.
Molecular consequence: frameshift variant.
Genome position (GRCh38, 1-based): chr13:32,355,062-32,355,065, CAAA replaced by GG. VCF-style: chr13-32355062-CAAA-GG. GRCh37 (hg19) VCF-style: chr13-32929199-CAAA-GG.
Other names: 7437del4insGG; c.7209_7212delCAAAinsGG (NM_000059.3); short protein forms K2404fs.
Identifiers: ClinVar variation 232446 (VCV000232446.13), dbSNP rs876659770, ClinGen allele CA10579727.

ClinVar aggregate classification (germline): Pathogenic. Review status: reviewed by expert panel (3 of 4 stars). 5 submissions from 5 submitters: Pathogenic (1). 4 of the submissions do not count toward it. Last evaluated 2016-10-18.

Conditions:
Hereditary cancer-predisposing syndrome. Also called: Hereditary Cancer Syndrome; Neoplastic Syndromes, Hereditary; Tumor predisposition; Hereditary neoplastic syndrome. Identifiers: Orphanet 140162, MedGen C0027672, MeSH D009386, MONDO:0015356.
Breast-ovarian cancer, familial, susceptibility to, 2 (BROVCA2). Also called: BRCA2 Hereditary Breast and Ovarian Cancer. Identifiers: Orphanet 145, MedGen C2675520, MONDO:0012933, OMIM 612555. Disease mechanism: loss of function.
Hereditary breast ovarian cancer syndrome. Also called: Hereditary breast and/or ovarian cancer syndrome; BRCA1- and BRCA2-Associated Hereditary Breast and Ovarian Cancer; Hereditary breast and ovarian cancer syndrome (HBOC); Hereditary breast and ovarian cancer; Hereditary breast and ovarian cancer syndrome; Breast and ovarian cancer. Identifiers: Orphanet 145, MedGen C0677776, MeSH D061325, MONDO:0003582. Disease mechanism: loss of function.
Familial cancer of breast. Also called: Hereditary breast cancer; hereditary breast carcinoma; BREAST CANCER, FAMILIAL. Identifiers: Orphanet 227535, MedGen C0346153, MONDO:0016419, OMIM 114480. Disease mechanism: loss of function.

Submissions (5):

Evidence-based Network for the Interpretation of Germline Mutant Alleles (ENIGMA)
Classification: Pathogenic for Breast-ovarian cancer, familial, susceptibility to, 2. Last evaluated: 2016-10-18. Review status: reviewed by expert panel. Criteria: ENIGMA BRCA1/2 Classification Criteria (2015). Collection method: curation. Allele origin: germline.
Comment: Variant allele predicted to encode a truncated non-functional protein.

GeneKor MSA
Classification: Pathogenic for Hereditary Breast Carcinoma. Last evaluated: 2020-01-01. Review status: criteria provided, single submitter. Criteria: ACMG Guidelines, 2015. Collection method: clinical testing. Allele origin: germline. Affected: yes. Not counted in ClinVar's aggregate classification.
Comment: This sequence change deletes 4 nucleotides and inserts 2 other nucleotides in exon 14 of the BRCA2 mRNA. This creates a premature translational stop signal 7 amino acid residues later and is expected to result in an absent or disrupted protein product. Truncating variants in BRCA2 are known to be pathogenic (PMID: 20104584). This variant has been described in the international literature in an individual with a personal and/or family history of breast cancer and/or ovarian cancer (PMID: 24156927) and in an individual undergoing panel testing for hereditary syndrome (PMID: 31159747). The mutation database ClinVar contains entries for this variant (Variation ID: 232446).

Labcorp Genetics (formerly Invitae), Labcorp
Classification: Pathogenic for Hereditary breast ovarian cancer syndrome. Last evaluated: 2018-03-06. Review status: criteria provided, single submitter. Criteria: Invitae Variant Classification Sherloc (09022015). Collection method: clinical testing. Allele origin: germline. Not counted in ClinVar's aggregate classification.
Comment: For these reasons, this variant has been classified as Pathogenic. Loss-of-function variants in BRCA2 are known to be pathogenic (PMID: 20104584). This variant has been reported in an individual with a personal and/or family history of breast cancer and/or ovarian cancer (PMID: 24156927). This variant is not present in population databases (ExAC no frequency). This sequence change creates a premature translational stop signal (p.Lys2404Glyfs*7) in the BRCA2 gene. It is expected to result in an absent or disrupted protein product.

Consortium of Investigators of Modifiers of BRCA1/2 (CIMBA), c/o University of Cambridge
Classification: Pathogenic for Breast-ovarian cancer, familial, susceptibility to, 2. Last evaluated: 2015-10-02. Review status: criteria provided, single submitter. Criteria: CIMBA Mutation Classification guidelines May 2016. Collection method: clinical testing. Allele origin: germline. Not counted in ClinVar's aggregate classification.

Ambry Genetics
Classification: Pathogenic for Hereditary cancer-predisposing syndrome. Last evaluated: 2015-06-16. Review status: criteria provided, single submitter. Criteria: Ambry Autosomal Dominant and X-Linked criteria (10/2015). Collection method: clinical testing. Allele origin: germline. Observed: 1 variant allele. Not counted in ClinVar's aggregate classification.
Comment: The c.7209_7212delCAAAinsGG pathogenic mutation (also known as 7437delCAAAinsGG), located in coding exon 13 of the BRCA2 gene, results from the deletion of 4 nucleotides and insertion of two nucleotides causing a translational frameshift with a predicted alternate stop codon.

Literature cited by the submitters: PubMed 20104584 (cited by Labcorp Genetics (formerly Invitae), Labcorp); PubMed 24156927 (cited by Labcorp Genetics (formerly Invitae), Labcorp).